The following is an entry in ClinVar:

NM_001270508.2(TNFAIP3):c.1888G>A (p.Glu630Lys)

Gene: TNFAIP3 (TNF alpha induced protein 3; plus strand). Cytogenetic location: 6q23.3.
Variant type: single nucleotide variant.
Coding change: c.1888G>A on transcript NM_001270508.2 (MANE Select); coding-DNA position 1888, G replaced by A.
Protein change: p.Glu630Lys; replaces glutamic acid 630 with lysine.
Molecular consequence: missense variant.
Genome position (GRCh38, 1-based): chr6:137,879,333, G>A. VCF-style: chr6-137879333-G-A. GRCh37 (hg19) VCF-style: chr6-138200470-G-A.
Other names: c.1888G>A, p.Glu630Lys (NM_001270507.2, NM_006290.4); short protein forms E630K.
Identifiers: ClinVar variation 2719972 (VCV002719972.3), dbSNP rs771994702, ClinGen allele CA4019727.

ClinVar aggregate classification (germline): Uncertain significance (1 of 4 stars; one submission).

Allele frequency attached by ClinVar (database versions not stated): gnomAD exomes below 0.00001; ExAC 0.00001; TOPMed 0.00002; gnomAD 0.00003.

Submission:

Labcorp Genetics (formerly Invitae), Labcorp
Classification: Uncertain significance. Last evaluated: 2024-02-10. Review status: criteria provided, single submitter. Criteria: Invitae Variant Classification Sherloc (09022015). Collection method: clinical testing. Allele origin: germline.
Comment: This sequence change replaces glutamic acid, which is acidic and polar, with lysine, which is basic and polar, at codon 630 of the TNFAIP3 protein (p.Glu630Lys). This variant is present in population databases (rs771994702, gnomAD 0.008%). This variant has not been reported in the literature in individuals affected with TNFAIP3-related conditions. Advanced modeling of protein sequence and biophysical properties (such as structural, functional, and spatial information, amino acid conservation, physicochemical variation, residue mobility, and thermodynamic stability) performed at Invitae indicates that this missense variant is not expected to disrupt TNFAIP3 protein function with a negative predictive value of 80%. In summary, the available evidence is currently insufficient to determine the role of this variant in disease. Therefore, it has been classified as a Variant of Uncertain Significance.